The following is an entry in ClinVar:

ClinVar aggregate classification (germline): Uncertain significance (1 of 4 stars; one submission).

Allele frequency attached by ClinVar (database versions not stated): gnomAD exomes below 0.00001.
gnomAD v4.1: 1 of 1,611,524 alleles (0.000062%); highest among the groups gnomAD compares: African/African-American, 0.0013%; no homozygotes.

Submission:

Labcorp Genetics (formerly Invitae), Labcorp
Classification: Uncertain significance. Last evaluated: 2022-07-06. Review status: criteria provided, single submitter. Criteria: Invitae Variant Classification Sherloc (09022015). Collection method: clinical testing. Allele origin: germline.
Comment: This sequence change replaces tyrosine, which is neutral and polar, with cysteine, which is neutral and slightly polar, at codon 53 of the ATF6 protein (p.Tyr53Cys). This variant is present in population databases (no rsID available, gnomAD 0.007%). This variant has not been reported in the literature in individuals affected with ATF6-related conditions. Algorithms developed to predict the effect of missense changes on protein structure and function (SIFT, PolyPhen-2, Align-GVGD) all suggest that this variant is likely to be tolerated. Algorithms developed to predict the effect of sequence changes on RNA splicing suggest that this variant may disrupt the consensus splice site. In summary, the available evidence is currently insufficient to determine the role of this variant in disease. Therefore, it has been classified as a Variant of Uncertain Significance.

NM_007348.4(ATF6):c.158A>G (p.Tyr53Cys)

Gene: ATF6 (activating transcription factor 6; plus strand). Cytogenetic location: 1q23.3.
Variant type: single nucleotide variant.
Coding change: c.158A>G on transcript NM_007348.4 (MANE Select); coding-DNA position 158, A replaced by G.
Protein change: p.Tyr53Cys; replaces tyrosine 53 with cysteine.
Molecular consequence: missense variant.
Genome position (GRCh38, 1-based): chr1:161,778,319, A>G. VCF-style: chr1-161778319-A-G. GRCh37 (hg19) VCF-style: chr1-161748109-A-G.
Other names: c.158A>G, p.Tyr53Cys (NM_001410890.1); short protein forms Y53C.
Identifiers: ClinVar variation 2014752 (VCV002014752.4), dbSNP rs1256452237, ClinGen allele CA343384076.